The following is an entry in ClinVar:

ClinVar aggregate classification (germline): Uncertain significance (1 of 4 stars; one submission).

Submission:

GeneDx
Classification: Uncertain significance. Last evaluated: 2022-10-28. Review status: criteria provided, single submitter. Criteria: GeneDx Variant Classification Process June 2021. Collection method: clinical testing. Allele origin: germline. Affected: yes.
Comment: Not observed at significant frequency in large population cohorts (gnomAD); In silico analysis supports that this missense variant has a deleterious effect on protein structure/function; Has not been previously published as pathogenic or benign to our knowledge

NM_001386135.1(AFF3):c.3287A>G (p.Asn1096Ser)

Gene: AFF3 (ALF transcription elongation factor 3; minus strand). Cytogenetic location: 2q11.2.
Variant type: single nucleotide variant.
Coding change: c.3287A>G on transcript NM_001386135.1 (MANE Select); coding-DNA position 3287, A replaced by G.
Protein change: p.Asn1096Ser; replaces asparagine 1096 with serine.
Molecular consequence: missense variant.
Genome position (GRCh38, 1-based): chr2:99,554,731, T>C on the plus strand (A>G on the coding strand, the complement: AFF3 is on the minus strand). VCF-style: chr2-99554731-T-C. GRCh37 (hg19) VCF-style: chr2-100171193-T-C.
Other names: c.3362A>G, p.Asn1121Ser (NM_001025108.2); c.3287A>G, p.Asn1096Ser (NM_002285.3); short protein forms N1096S, N1121S.
Identifiers: ClinVar variation 2500439 (VCV002500439.1), dbSNP rs2545776323, ClinGen allele CA347880659.